The following is an entry in ClinVar:

ClinVar aggregate classification (germline): Uncertain significance. Review status: criteria provided, multiple submitters, no conflicts (2 of 4 stars). 2 submissions from 2 submitters: Uncertain significance (2). Last evaluated 2023-02-10.

Conditions:
Inborn genetic diseases. Identifiers: MedGen C0950123, MeSH D030342.
Nemaline myopathy 2 (NEM2). Also called: Nemaline myopathy 2, autosomal recessive. Identifiers: MedGen C1850569, MONDO:0009725, OMIM 256030.

Allele frequency attached by ClinVar (database versions not stated): TOPMed below 0.00001.
gnomAD v4.1: 2 of 1,595,566 alleles (0.00013%); highest among the groups gnomAD compares: Non-Finnish European, 0.00017%; no homozygotes.

Submissions (2):

Ambry Genetics
Classification: Uncertain significance for Inborn genetic diseases. Last evaluated: 2023-02-10. Review status: criteria provided, single submitter. Criteria: Ambry Variant Classification Scheme 2023. Collection method: clinical testing. Allele origin: germline.

Labcorp Genetics (formerly Invitae), Labcorp
Classification: Uncertain significance for Nemaline myopathy 2. Last evaluated: 2021-09-02. Review status: criteria provided, single submitter. Criteria: Invitae Variant Classification Sherloc (09022015). Collection method: clinical testing. Allele origin: germline.
Comment: This sequence change replaces valine with isoleucine at codon 7950 of the NEB protein (p.Val7950Ile). The valine residue is moderately conserved and there is a small physicochemical difference between valine and isoleucine. This variant is present in population databases (rs767404419, ExAC 0.002%). This variant has not been reported in the literature in individuals affected with NEB-related conditions. Algorithms developed to predict the effect of missense changes on protein structure and function are either unavailable or do not agree on the potential impact of this missense change (SIFT: "Deleterious"; PolyPhen-2: "Not Available"; Align-GVGD: "Class C0"). In summary, the available evidence is currently insufficient to determine the role of this variant in disease. Therefore, it has been classified as a Variant of Uncertain Significance.

NM_001164508.2(NEB):c.23743G>A (p.Val7915Ile)

Genes: NEB (nebulin; minus strand), RIF1 (replication timing regulatory factor 1; plus strand). Cytogenetic location: 2q23.3.
Variant type: single nucleotide variant.
Coding change: c.23743G>A on transcript NM_001164508.2 (MANE Select); coding-DNA position 23743, G replaced by A.
Protein change: p.Val7915Ile; replaces valine 7915 with isoleucine.
Molecular consequence: missense variant.
Genome position (GRCh38, 1-based): chr2:151,503,441, C>T on the plus strand (G>A on the coding strand, the complement: NEB is on the minus strand). VCF-style: chr2-151503441-C-T. GRCh37 (hg19) VCF-style: chr2-152359955-C-T.
Other names: c.23743G>A, p.Val7915Ile (NM_001164507.2); c.23848G>A, p.Val7950Ile (NM_001271208.2); c.18640G>A, p.Val6214Ile (NM_004543.5); c.18640G>A (NM_004543.4); short protein forms V6214I, V7950I, V7915I.
Identifiers: ClinVar variation 1041527 (VCV001041527.4), dbSNP rs767404419, ClinGen allele CA1906253.